The following is an entry in ClinVar:

NM_000059.4(BRCA2):c.6562A>G (p.Lys2188Glu)

Gene: BRCA2 (BRCA2 DNA repair associated; plus strand). Cytogenetic location: 13q13.1.
Variant type: single nucleotide variant.
Coding change: c.6562A>G on transcript NM_000059.4 (MANE Select); coding-DNA position 6562, A replaced by G.
Protein change: p.Lys2188Glu; replaces lysine 2188 with glutamic acid.
Molecular consequence: missense variant.
Genome position (GRCh38, 1-based): chr13:32,340,917, A>G. VCF-style: chr13-32340917-A-G. GRCh37 (hg19) VCF-style: chr13-32915054-A-G.
Other names: short protein forms K2188E.
Identifiers: ClinVar variation 431193 (VCV000431193.14), dbSNP rs1135401833, ClinGen allele CA387789838.

ClinVar aggregate classification (germline): Conflicting classifications of pathogenicity. Review status: criteria provided, conflicting classifications (1 of 4 stars). 7 submissions from 7 submitters: Uncertain significance (2); Likely benign (2). 3 of the submissions do not count toward it. Last evaluated 2025-04-27.

Conditions:
Breast-ovarian cancer, familial, susceptibility to, 2 (BROVCA2). Also called: BRCA2 Hereditary Breast and Ovarian Cancer. Identifiers: Orphanet 145, MedGen C2675520, MONDO:0012933, OMIM 612555. Disease mechanism: loss of function.
Hereditary cancer-predisposing syndrome. Also called: Hereditary neoplastic syndrome; Tumor predisposition; Neoplastic Syndromes, Hereditary; Hereditary Cancer Syndrome. Identifiers: Orphanet 140162, MedGen C0027672, MeSH D009386, MONDO:0015356.
Hereditary breast ovarian cancer syndrome. Also called: BRCA1- and BRCA2-Associated Hereditary Breast and Ovarian Cancer; Hereditary breast and/or ovarian cancer syndrome; Hereditary breast and ovarian cancer; Hereditary breast and ovarian cancer syndrome; Hereditary breast and ovarian cancer syndrome (HBOC); Breast and ovarian cancer. Identifiers: Orphanet 145, MedGen C0677776, MeSH D061325, MONDO:0003582. Disease mechanism: loss of function.

Allele frequency attached by ClinVar (database versions not stated): gnomAD exomes below 0.00001.
gnomAD v4.1: 2 of 1,609,902 alleles (0.00012%); highest among the groups gnomAD compares: Non-Finnish European, 0.00017%; no homozygotes.

Submissions (7):

Labcorp Genetics (formerly Invitae), Labcorp
Classification: Uncertain significance for Hereditary breast ovarian cancer syndrome. Last evaluated: 2025-04-27. Review status: criteria provided, single submitter. Criteria: Invitae Variant Classification Sherloc (09022015). Collection method: clinical testing. Allele origin: germline.
Comment: This sequence change replaces lysine, which is basic and polar, with glutamic acid, which is acidic and polar, at codon 2188 of the BRCA2 protein (p.Lys2188Glu). This variant is not present in population databases (gnomAD no frequency). This missense change has been observed in individual(s) with sporadic pancreatic adenocarcinoma and breast and/or ovarian cancer (PMID: 28767289, 30040829, 30254663). ClinVar contains an entry for this variant (Variation ID: 431193). Invitae Evidence Modeling of protein sequence and biophysical properties (such as structural, functional, and spatial information, amino acid conservation, physicochemical variation, residue mobility, and thermodynamic stability) indicates that this missense variant is not expected to disrupt BRCA2 protein function with a negative predictive value of 95%. In summary, the available evidence is currently insufficient to determine the role of this variant in disease. Therefore, it has been classified as a Variant of Uncertain Significance.

University of Washington Department of Laboratory Medicine, University of Washington
Classification: Likely benign for Hereditary cancer-predisposing syndrome. Last evaluated: 2023-03-23. Review status: criteria provided, single submitter. Criteria: Dines et al. (Genet Med. 2020). Collection method: curation. Allele origin: germline.
Comment: Missense variant in a coldspot region where missense variants are very unlikely to be pathogenic (PMID:31911673).

BRCA2 exon 11 coldspot. Reclassification based on statistical prior probability.

Women's Health and Genetics/Laboratory Corporation of America, LabCorp
Classification: Uncertain significance. Last evaluated: 2023-02-13. Review status: criteria provided, single submitter. Criteria: LabCorp Variant Classification Summary - May 2015. Collection method: clinical testing. Allele origin: germline.
Comment: Variant summary: BRCA2 c.6562A>G (p.Lys2188Glu) results in a conservative amino acid change in the encoded protein sequence. Five of five in-silico tools predict a benign effect of the variant on protein function. The variant was absent in 246842 control chromosomes (gnomAD). The available data on variant occurrences in the general population are insufficient to allow any conclusion about variant significance. c.6562A>G has been reported in the literature in an individual affected with pancreatic cancer and in individuals affected with breast and/or ovarian cancer (e.g. Shindo_2017, Zuntini_2018, Kowalik_2018). These reports do not provide unequivocal conclusions about association of the variant with Hereditary Breast And Ovarian Cancer Syndrome. To our knowledge, no experimental evidence demonstrating an impact on protein function has been reported. Two submitters have provided clinical-significance assessments for this variant to ClinVar after 2014 and both classified the variant as uncertain significance. Based on the evidence outlined above, the variant was classified as uncertain significance.

Ambry Genetics
Classification: Likely benign for Hereditary cancer-predisposing syndrome. Last evaluated: 2023-02-09. Review status: criteria provided, single submitter. Criteria: Ambry Variant Classification Scheme 2023. Collection method: clinical testing. Allele origin: germline.

Department of Medical and Surgical Sciences, University of Bologna
Classification: Likely benign for Breast-ovarian cancer, familial, susceptibility to, 2. Last evaluated: 2023-09-01. Review status: no assertion criteria provided. Collection method: clinical testing. Allele origin: germline. Affected: yes. Not counted in ClinVar's aggregate classification.
Comment: PM2(Supporting)+BP1(Strong) according to ACMG/AMP classification guidelines specified for BRCA1 & BRCA2 (Classification Criteria V1.0.0 2023-09-08) (PMID: 38160042)

BRCAlab, Lund University
Classification: Uncertain significance for Breast-ovarian cancer, familial, susceptibility to, 2. Last evaluated: 2020-03-02. Review status: no assertion criteria provided. Collection method: clinical testing. Allele origin: germline. Affected: yes. Not counted in ClinVar's aggregate classification.

Cancer Genetics and Genomics Laboratory, British Columbia Cancer Agency
Classification: Uncertain significance for Hereditary breast ovarian cancer syndrome. Last evaluated: 2016-04-14. Review status: no assertion criteria provided. Collection method: clinical testing. Allele origin: germline. Study: The Canadian Open Genetics Repository (COGR). Not counted in ClinVar's aggregate classification.

Literature cited by the submitters: PubMed 28767289 (cited by Labcorp Genetics (formerly Invitae), Labcorp and Women's Health and Genetics/Laboratory Corporation of America, LabCorp); PubMed 30040829 (cited by Labcorp Genetics (formerly Invitae), Labcorp and Women's Health and Genetics/Laboratory Corporation of America, LabCorp); PubMed 30254663 (cited by 3 submitters).